The following is an entry in ClinVar:

NC_000010.10:g.(?_75936631)_(75936664_?)del

Gene: ADK (adenosine kinase; plus strand). Cytogenetic location: 10q22.2.
Variant type: Deletion.
Identifiers: ClinVar variation 2423734 (VCV002423734.4).

ClinVar aggregate classification (germline): Uncertain significance (1 of 4 stars; one submission).

Submission:

Labcorp Genetics (formerly Invitae), Labcorp
Classification: Uncertain significance. Last evaluated: 2022-04-12. Review status: criteria provided, single submitter. Criteria: Invitae Variant Classification Sherloc (09022015). Collection method: clinical testing. Allele origin: germline.
Comment: This variant is a gross deletion of the genomic region encompassing exon(s) 1 of the ADK gene, which includes the initiator codon. This deletion extends beyond the assayed region for this gene and therefore may encompass additional genes. The effect of truncating variants in this region is unknown. This variant has not been reported in the literature in individuals affected with ADK-related conditions. In summary, the available evidence is currently insufficient to determine the role of this variant in disease. Therefore, it has been classified as a Variant of Uncertain Significance.